The following is an entry in ClinVar:

ClinVar aggregate classification (germline): Benign/Likely benign. Review status: criteria provided, multiple submitters, no conflicts (2 of 4 stars). 2 submissions from 2 submitters: Benign (1); Likely benign (1). Last evaluated 2024-09-24.

Conditions:
Hereditary diffuse gastric adenocarcinoma (HDGC). Also called: DIFFUSE GASTRIC AND LOBULAR BREAST CANCER SYNDROME. Identifiers: Orphanet 26106, MedGen C1708349, MONDO:0007648, OMIM 137215.

Submissions (2):

Myriad Genetics, Inc.
Classification: Benign for Hereditary diffuse gastric adenocarcinoma. Last evaluated: 2024-09-24. Review status: criteria provided, single submitter. Criteria: Myriad Autosomal Dominant, Autosomal Recessive and X-Linked Classification Criteria (2023). Collection method: clinical testing. Allele origin: unknown.
Comment: This variant is considered benign. This variant is a silent/synonymous amino acid change and it is not expected to impact splicing.

Labcorp Genetics (formerly Invitae), Labcorp
Classification: Likely benign for Hereditary diffuse gastric adenocarcinoma. Last evaluated: 2020-03-17. Review status: criteria provided, single submitter. Criteria: Invitae Variant Classification Sherloc (09022015). Collection method: clinical testing. Allele origin: germline.

NM_004360.5(CDH1):c.2487T>C (p.Ser829=)

Gene: CDH1 (cadherin 1; plus strand). Cytogenetic location: 16q22.1.
Variant type: single nucleotide variant.
Coding change: c.2487T>C on transcript NM_004360.5 (MANE Select); coding-DNA position 2487, T replaced by C.
Protein change: p.Ser829=; no amino-acid change (serine 829 retained).
Molecular consequence: synonymous variant.
Genome position (GRCh38, 1-based): chr16:68,833,337, T>C. VCF-style: chr16-68833337-T-C. GRCh37 (hg19) VCF-style: chr16-68867240-T-C.
Other names: c.2487T>C (LRG_301t1); c.2304T>C, p.Ser768= (NM_001317184.2); c.939T>C, p.Ser313= (NM_001317185.2); c.522T>C, p.Ser174= (NM_001317186.2).
Identifiers: ClinVar variation 532491 (VCV000532491.10), dbSNP rs1555518229, ClinGen allele CA496393060.